The following is an entry in ClinVar:

NM_021971.4(GMPPB):c.938G>T (p.Arg313Leu)

Gene: GMPPB (GDP-mannose pyrophosphorylase B; minus strand). Cytogenetic location: 3p21.31.
Variant type: single nucleotide variant.
Coding change: c.938G>T on transcript NM_021971.4 (MANE Select); coding-DNA position 938, G replaced by T.
Protein change: p.Arg313Leu; replaces arginine 313 with leucine.
Molecular consequence: missense variant.
Genome position (GRCh38, 1-based): chr3:49,721,978, C>A on the plus strand (G>T on the coding strand, the complement: GMPPB is on the minus strand). VCF-style: chr3-49721978-C-A. GRCh37 (hg19) VCF-style: chr3-49759411-C-A.
Other names: c.938G>T, p.Arg313Leu (NM_013334.4); short protein forms R313L.
Identifiers: ClinVar variation 1416512 (VCV001416512.5), dbSNP rs775910135, ClinGen allele CA74541377.

ClinVar aggregate classification (germline): Uncertain significance (1 of 4 stars; one submission).

Conditions:
Muscular dystrophy-dystroglycanopathy (congenital with impaired intellectual development), type B, 14. Also called: Congenital muscular dystrophy-dystroglycanopathy with mental retardation, type B14; Muscular dystrophy-dystroglycanopathy (congenital with intellectual disability), type B14; MUSCULAR DYSTROPHY, CONGENITAL, GMPPB-RELATED. Identifiers: MedGen C3809221, MONDO:0014141, OMIM 615351.
Autosomal recessive limb-girdle muscular dystrophy type 2T. Also called: Limb-girdle muscular dystrophy-dystroglycanopathy, type C14; MUSCULAR DYSTROPHY-DYSTROGLYCANOPATHY, LIMB-GIRDLE, GMPPB-RELATED; MUSCULAR DYSTROPHY, LIMB-GIRDLE, TYPE 2T; Muscular dystrophy-dystroglycanopathy (limb-girdle), type c, 14. Identifiers: Orphanet 363623, MedGen C4518000, MONDO:0014142, OMIM 615352.
Muscular dystrophy-dystroglycanopathy (congenital with brain and eye anomalies), type A14. Also called: Congenital muscular dystrophy-dystroglycanopathy with brain and eye anomalies, type A14; WALKER-WARBURG SYNDROME OR MUSCLE-EYE-BRAIN DISEASE, GMPPB-RELATED; Muscular dystrophy-dystroglycanopathy (congenital with brain and eye anomalies), type a, 14; Congenital Muscular Dystrophy-Dystroglycanopathy with Brain and Eye Anomalies Type A 14. Identifiers: Orphanet 588, MedGen C3809216, MONDO:0014140, OMIM 615350.

Allele frequency attached by ClinVar (database versions not stated): TOPMed 0.00002.
gnomAD v4.1: 12 of 1,613,440 alleles (0.00074%); highest among the groups gnomAD compares: Non-Finnish European, 0.001%; no homozygotes.

Submission:

Labcorp Genetics (formerly Invitae), Labcorp
Classification: Uncertain significance for Autosomal recessive limb-girdle muscular dystrophy type 2T; Muscular dystrophy-dystroglycanopathy (congenital with brain and eye anomalies), type A14; Muscular dystrophy-dystroglycanopathy (congenital with impaired intellectual development), type B, 14. Last evaluated: 2021-08-31. Review status: criteria provided, single submitter. Criteria: Invitae Variant Classification Sherloc (09022015). Collection method: clinical testing. Allele origin: germline.
Comment: This sequence change replaces arginine with leucine at codon 313 of the GMPPB protein (p.Arg313Leu). The arginine residue is weakly conserved and there is a moderate physicochemical difference between arginine and leucine. This variant is not present in population databases (ExAC no frequency). This variant has not been reported in the literature in individuals affected with GMPPB-related conditions. Advanced modeling of protein sequence and biophysical properties (such as structural, functional, and spatial information, amino acid conservation, physicochemical variation, residue mobility, and thermodynamic stability) performed at Invitae indicates that this missense variant is not expected to disrupt GMPPB protein function. In summary, the available evidence is currently insufficient to determine the role of this variant in disease. Therefore, it has been classified as a Variant of Uncertain Significance.